The following is an entry in ClinVar:

NM_032590.5(KDM2B):c.2426C>T (p.Pro809Leu)

Gene: KDM2B (lysine demethylase 2B; minus strand). Cytogenetic location: 12q24.31.
Variant type: single nucleotide variant.
Coding change: c.2426C>T on transcript NM_032590.5 (MANE Select); coding-DNA position 2426, C replaced by T.
Protein change: p.Pro809Leu; replaces proline 809 with leucine.
Molecular consequence: missense variant.
Genome position (GRCh38, 1-based): chr12:121,444,037, G>A on the plus strand (C>T on the coding strand, the complement: KDM2B is on the minus strand). VCF-style: chr12-121444037-G-A. GRCh37 (hg19) VCF-style: chr12-121881840-G-A.
Other names: c.2333C>T, p.Pro778Leu (NM_001005366.2); short protein forms P778L, P809L.
Identifiers: ClinVar variation 3902998 (VCV003902998.1).
Genomic context (GRCh38, chr12:121,444,037, plus strand): 5'-AACCCCTTTGCCTCCCAGCCCCTCCTGGTCCGTACCCGCTTGCGTCCACTCAGCTCCTGG[G>A]GCTTCTCGTATTTCCGCTTCTTCCTCAGGTGCACGTCGTCAGACTTTCTGCGCAGAAGGC-3'
Protein context (NP_115979.3, residues 799-819): HLRKKRKYEK[Pro809Leu]QELSGRKRAS

ClinVar aggregate classification (germline): Uncertain significance (1 of 4 stars; one submission).

Submission:

GeneDx
Classification: Uncertain significance. Last evaluated: 2024-12-13. Review status: criteria provided, single submitter. Criteria: GeneDx Variant Classification Process June 2021. Collection method: clinical testing. Allele origin: germline. Affected: yes.
Comment: Not observed at significant frequency in large population cohorts (gnomAD); In silico analysis supports that this missense variant has a deleterious effect on protein structure/function; Has not been previously published as pathogenic or benign to our knowledge